The following is an entry in ClinVar:

NM_020937.4(FANCM):c.1184G>A (p.Gly395Glu)

Gene: FANCM (FA complementation group M; plus strand). Cytogenetic location: 14q21.2.
Variant type: single nucleotide variant.
Coding change: c.1184G>A on transcript NM_020937.4 (MANE Select); coding-DNA position 1184, G replaced by A.
Protein change: p.Gly395Glu; replaces glycine 395 with glutamic acid.
Molecular consequence: missense variant.
Genome position (GRCh38, 1-based): chr14:45,154,697, G>A. VCF-style: chr14-45154697-G-A. GRCh37 (hg19) VCF-style: chr14-45623900-G-A.
Other names: c.1106G>A, p.Gly369Glu (NM_001308133.2); c.1184G>A, p.Gly395Glu (NM_001308134.2); short protein forms G369E, G395E.
Identifiers: ClinVar variation 4871129 (VCV004871129.1).

ClinVar aggregate classification (germline): Uncertain significance (1 of 4 stars; one submission).

Conditions:
Inborn genetic diseases. Identifiers: MedGen C0950123, MeSH D030342.

Submission:

Ambry Genetics
Classification: Uncertain significance for Inborn genetic diseases. Last evaluated: 2026-05-14. Review status: criteria provided, single submitter. Criteria: Ambry Variant Classification Scheme 2023. Collection method: clinical testing. Allele origin: germline.
Comment: The p.G395E variant (also known as c.1184G>A) is located in coding exon 7 of the FANCM gene. The glycine at codon 395 is replaced by glutamic acid, an amino acid with similar properties. This change occurs in the first base pair of coding exon 7. This amino acid position is conserved. In addition, this alteration is predicted to be tolerated by in silico analysis. Based on the available evidence, the clinical significance of this variant remains unclear.